The following is an entry in ClinVar:

NM_024876.4(COQ8B):c.706G>A (p.Val236Met)

Gene: COQ8B (coenzyme Q8B; minus strand). Cytogenetic location: 19q13.2.
Variant type: single nucleotide variant.
Coding change: c.706G>A on transcript NM_024876.4 (MANE Select); coding-DNA position 706, G replaced by A.
Protein change: p.Val236Met; replaces valine 236 with methionine.
Molecular consequence: missense variant.
Genome position (GRCh38, 1-based): chr19:40,703,726, C>T on the plus strand (G>A on the coding strand, the complement: COQ8B is on the minus strand). VCF-style: chr19-40703726-C-T. GRCh37 (hg19) VCF-style: chr19-41209631-C-T.
Other names: c.583G>A, p.Val195Met (NM_001142555.3); short protein forms V195M, V236M.
Identifiers: ClinVar variation 1190090 (VCV001190090.15), dbSNP rs146225943, ClinGen allele CA9450326.

ClinVar aggregate classification (germline): Conflicting classifications of pathogenicity. Review status: criteria provided, conflicting classifications (1 of 4 stars). 4 submissions from 4 submitters: Uncertain significance (1); Benign (1). 2 of the submissions do not count toward it. Last evaluated 2025-12-27.

Conditions:
COQ8B-related disorder. Also called: COQ8B-related condition.

Allele frequency attached by ClinVar (database versions not stated): gnomAD exomes 0.00017; ExAC 0.00024; TOPMed 0.00089; ESP Exome Variant Server 0.00131; 1000 Genomes Project 0.00140; 1000 Genomes Project 30x 0.00141.
gnomAD v4.1: 253 of 1,614,060 alleles (0.016%); highest among the groups gnomAD compares: African/African-American, 0.31%; 1 homozygote.

Submissions (4):

Labcorp Genetics (formerly Invitae), Labcorp
Classification: Benign. Last evaluated: 2025-12-27. Review status: criteria provided, single submitter. Criteria: Invitae Variant Classification Sherloc (09022015). Collection method: clinical testing. Allele origin: germline.

GeneDx
Classification: Uncertain significance. Last evaluated: 2023-08-02. Review status: criteria provided, single submitter. Criteria: GeneDx Variant Classification Process June 2021. Collection method: clinical testing. Allele origin: germline. Affected: yes.
Comment: Has not been previously published as pathogenic or benign to our knowledge; In silico analysis supports that this missense variant does not alter protein structure/function

Genetic Services Laboratory, University of Chicago
Classification: Uncertain significance. Last evaluated: 2022-08-23. Review status: no assertion criteria provided. Collection method: clinical testing. Allele origin: germline. Affected: no. Not counted in ClinVar's aggregate classification.
Comment: DNA sequence analysis of the COQ8B gene demonstrated a sequence change, c.706G>A, in exon 8 that results in an amino acid change, p.Val236Met. This sequence change does not appear to have been previously described in individuals with COQ8B-related disorders. This sequence change has been described in the gnomAD database with a frequency of 0.27% in the African subpopulation and 0.024% in the overall population (dbSNP rs146225943). The p.Val236Met change affects a highly conserved amino acid residue located in a domain of the COQ8B protein that is known to be functional. In-silico pathogenicity prediction tools (SIFT, PolyPhen2, Align GVGD, REVEL) provide contradictory results for the p.Val236Met substitution. Due to insufficient evidences and the lack of functional studies, the clinical significance of the p.Val236Met change remains unknown at this time.

PreventionGenetics, part of Exact Sciences
Classification: Likely benign for COQ8B-related condition. Last evaluated: 2022-02-23. Review status: no assertion criteria provided. Collection method: clinical testing. Allele origin: germline. Not counted in ClinVar's aggregate classification.
Comment: This variant is classified as likely benign based on ACMG/AMP sequence variant interpretation guidelines (Richards et al. 2015 PMID: 25741868, with internal and published modifications).